The following is an entry in ClinVar:

ClinVar aggregate classification (germline): Pathogenic/Likely pathogenic. Review status: criteria provided, multiple submitters, no conflicts (2 of 4 stars). 7 submissions from 7 submitters: Pathogenic (3); Likely pathogenic (1). 3 of the submissions do not count toward it. Last evaluated 2026-05-29.

Conditions:
EGR2-related disorders.
Charcot-Marie-Tooth disease, type I (CMT1). Also called: Charcot-Marie-Tooth, Type 1; Charcot-Marie-Tooth disease type 1. Identifiers: Orphanet 65753, MedGen C0751036, MONDO:0019011.
Charcot-Marie-Tooth disease type 1D. Also called: CHARCOT-MARIE-TOOTH NEUROPATHY, TYPE 1D; HEREDITARY MOTOR AND SENSORY NEUROPATHY 1D; HMSN ID; Charcot-Marie-Tooth disease, demyelinating, type 1d. Identifiers: Orphanet 101084, MedGen C1843247, MONDO:0011890, OMIM 607678.

Submissions (7):

Women's Health and Genetics/Laboratory Corporation of America, LabCorp
Classification: Pathogenic for Charcot-Marie-Tooth disease type 1D. Last evaluated: 2026-05-29. Review status: criteria provided, single submitter. Criteria: LabCorp Variant Classification Summary - May 2015. Collection method: clinical testing. Allele origin: germline.
Comment: Variant summary: EGR2 c.1225C>T (p.Arg409Trp) results in a non-conservative amino acid change in the encoded protein sequence. Algorithms developed to predict the effect of missense changes on protein structure and function are either unavailable or do not agree on the potential impact of this missense change. The variant was absent in 251088 control chromosomes (gnomAD). c.1225C>T has been observed in individuals affected with features of autosomal dominant Charcot-Marie-Tooth disease type 1D (e.g. Warner_1998, Leonardi_2019, Echaniz-Laguna_2023). These data indicate that the variant is likely to be associated with disease. A different variant affecting the same codon has been classified as pathogenic (c.1226G>A, p.Arg409Gln), supporting the critical relevance of codon 409 to EGR2 protein function. Publications report experimental evidence evaluating an impact on protein function, finding that the variant disrupts DNA binding and transcriptional activation (e.g. Warner_1999, Sevilla_2015). The following publications have been ascertained in the context of this evaluation (PMID: 9537424, 30481651, 26204789, 10369870, 37306961). ClinVar contains an entry for this variant (Variation ID: 16750). Based on the evidence outlined above, the variant was classified as pathogenic.

Labcorp Genetics (formerly Invitae), Labcorp
Classification: Pathogenic for Charcot-Marie-Tooth disease, type I. Last evaluated: 2025-11-06. Review status: criteria provided, single submitter. Criteria: Invitae Variant Classification Sherloc (09022015). Collection method: clinical testing. Allele origin: germline.
Comment: This sequence change replaces arginine, which is basic and polar, with tryptophan, which is neutral and slightly polar, at codon 409 of the EGR2 protein (p.Arg409Trp). This variant is not present in population databases (gnomAD no frequency). This missense change has been observed in individuals with autosomal dominant Charcot-Marie-Tooth disease (CMT) (PMID: 9537424, 30481651). It has also been observed to segregate with disease in related individuals. ClinVar contains an entry for this variant (Variation ID: 16750). Invitae Evidence Modeling of protein sequence and biophysical properties (such as structural, functional, and spatial information, amino acid conservation, physicochemical variation, residue mobility, and thermodynamic stability) indicates that this missense variant is expected to disrupt EGR2 protein function with a positive predictive value of 80%. Experimental studies have shown that this missense change affects EGR2 function (PMID: 10369870, 26204789, 27013732). This variant disrupts the p.Arg409 amino acid residue in EGR2. Other variant(s) that disrupt this residue have been determined to be pathogenic (PMID: 26204789; internal data). This suggests that this residue is clinically significant, and that variants that disrupt this residue are likely to be disease-causing. For these reasons, this variant has been classified as Pathogenic.

Athena Diagnostics
Classification: Pathogenic. Last evaluated: 2023-04-21. Review status: criteria provided, single submitter. Criteria: Athena Diagnostics Criteria. Collection method: clinical testing. Allele origin: unknown.
Comment: This variant has been identified in at least one individual with clinical features associated with this CMT. This variant has not been reported in large, multi-ethnic general populations. In some published literature, this variant is referred to as R359W. Assessment of experimental evidence suggests this variant results in abnormal protein function. (PMID: 10369870, 26204789) The variant is located in a region that is considered important for protein function and/or structure.

Blueprint Genetics
Classification: Likely pathogenic for EGR2-related disorders. Last evaluated: 2020-02-10. Review status: criteria provided, single submitter. Criteria: ACMG Guidelines, 2015. Collection method: clinical testing. Allele origin: germline. Affected: yes. Observed: 1 variant allele.

Inherited Neuropathy Consortium Ii, University Of Miami
Classification: Uncertain significance for Charcot-Marie-Tooth disease type 1D. Last evaluated: 2016-01-06. Review status: no assertion criteria provided. Collection method: literature only. Allele origin: germline. Affected: yes. Not counted in ClinVar's aggregate classification.

OMIM
Classification: Pathogenic for CHARCOT-MARIE-TOOTH DISEASE, DEMYELINATING, TYPE 1D. Last evaluated: 2003-01-14. Review status: no assertion criteria provided. Collection method: literature only. Allele origin: germline. Not counted in ClinVar's aggregate classification.

GeneReviews
No classification provided. Condition: Charcot-Marie-Tooth disease type 1D. Review status: no classification provided. Collection method: literature only. Allele origin: unknown. Not counted in ClinVar's aggregate classification.

Literature cited by the submitters: PubMed 37306961 (cited by Women's Health and Genetics/Laboratory Corporation of America, LabCorp); PubMed 30481651 (cited by 3 submitters); PubMed 26204789 (cited by 3 submitters); PubMed 9537424 (cited by 4 submitters); PubMed 10369870 (cited by 3 submitters); PubMed 27013732 (cited by Labcorp Genetics (formerly Invitae), Labcorp and Athena Diagnostics); PubMed 11545686 (cited by Athena Diagnostics); Warner, L. E., Mancias, P., Butler, I., Lupski, J. R. Mutation in the early growth response 2 (EGR2) transcription factor associated with recessive congenital hypomyelinating neuropathy (CHN). (Abstract) Am. J. Hum. Genet. 61 (suppl.): A350-only, 1997. (cited by OMIM); PubMed 12525712 (cited by OMIM); PubMed 20301384 (cited by GeneReviews); NCBI Bookshelf NBK1205 (cited by GeneReviews).

NM_000399.5(EGR2):c.1225C>T (p.Arg409Trp)

Gene: EGR2 (early growth response 2; minus strand). Cytogenetic location: 10q21.3.
Variant type: single nucleotide variant.
Coding change: c.1225C>T on transcript NM_000399.5 (MANE Select); coding-DNA position 1225, C replaced by T.
Protein change: p.Arg409Trp; replaces arginine 409 with tryptophan.
Molecular consequence: missense variant.
Genome position (GRCh38, 1-based): chr10:62,813,413, G>A on the plus strand (C>T on the coding strand, the complement: EGR2 is on the minus strand). VCF-style: chr10-62813413-G-A. GRCh37 (hg19) VCF-style: chr10-64573173-G-A.
Other names: c.1225C>T, p.Arg409Trp (NM_001136177.3, NM_001136178.2); c.1075C>T, p.Arg359Trp (NM_001136179.3, NM_001321037.2); c.1225C>T (NM_000399.4); short protein forms R409W, R359W.
Identifiers: ClinVar variation 16750 (VCV000016750.16), dbSNP rs104894159, ClinGen allele CA341431.
Genomic context (GRCh38, chr10:62,813,413, plus strand): 5'-TGCTTTTCCGCTCTTTCTGTCTCAGGTGGATCTTGGTGTGGCGCTTCCTCTCATCACTCC[G>A]GGCAAACTTTCGGCCACAGTAGTCACAGGCGAAGGGCTTCTCACCGGTGTGGGTGCGGAT-3'
Protein context (NP_000390.2, residues 399-419): ACDYCGRKFA[Arg409Trp]SDERKRHTKI